The following is an entry in ClinVar:

NM_006939.4(SOS2):c.1217A>G (p.Tyr406Cys)

Gene: SOS2 (SOS Ras/Rho guanine nucleotide exchange factor 2; minus strand). Cytogenetic location: 14q21.3.
Variant type: single nucleotide variant.
Coding change: c.1217A>G on transcript NM_006939.4 (MANE Select); coding-DNA position 1217, A replaced by G.
Protein change: p.Tyr406Cys; replaces tyrosine 406 with cysteine.
Molecular consequence: missense variant.
Genome position (GRCh38, 1-based): chr14:50,160,066, T>C on the plus strand (A>G on the coding strand, the complement: SOS2 is on the minus strand). VCF-style: chr14-50160066-T-C. GRCh37 (hg19) VCF-style: chr14-50626784-T-C.
Other names: c.1118A>G, p.Tyr373Cys (NM_001411020.1); c.1217A>G (NM_006939.2); short protein forms Y406C, Y373C.
Identifiers: ClinVar variation 2143648 (VCV002143648.5), dbSNP rs1263023083, ClinGen allele CA389646303.

ClinVar aggregate classification (germline): Uncertain significance. Review status: criteria provided, multiple submitters, no conflicts (2 of 4 stars). 2 submissions from 2 submitters: Uncertain significance (2). Last evaluated 2025-11-21.

Conditions:
Noonan syndrome 9 (NS9). Identifiers: Orphanet 648, MedGen C4225282, MONDO:0014691, OMIM 616559.
Cardiovascular phenotype. Identifiers: MedGen CN230736.

Allele frequency attached by ClinVar (database versions not stated): gnomAD exomes below 0.00001.
gnomAD v4.1: 6 of 1,612,130 alleles (0.00037%); highest among the groups gnomAD compares: Middle Eastern, 0.017%; no homozygotes.

Submissions (2):

Labcorp Genetics (formerly Invitae), Labcorp
Classification: Uncertain significance for Noonan syndrome 9. Last evaluated: 2025-11-21. Review status: criteria provided, single submitter. Criteria: Invitae Variant Classification Sherloc (09022015). Collection method: clinical testing. Allele origin: germline.
Comment: This sequence change replaces tyrosine, which is neutral and polar, with cysteine, which is neutral and slightly polar, at codon 406 of the SOS2 protein (p.Tyr406Cys). This variant is present in population databases (no rsID available, gnomAD 0.0009%). This variant has not been reported in the literature in individuals affected with SOS2-related conditions. ClinVar contains an entry for this variant (Variation ID: 2143648). Invitae Evidence Modeling of protein sequence and biophysical properties (such as structural, functional, and spatial information, amino acid conservation, physicochemical variation, residue mobility, and thermodynamic stability) indicates that this missense variant is not expected to disrupt SOS2 protein function with a negative predictive value of 95%. In summary, the available evidence is currently insufficient to determine the role of this variant in disease. Therefore, it has been classified as a Variant of Uncertain Significance.

Ambry Genetics
Classification: Uncertain significance for Cardiovascular phenotype. Last evaluated: 2025-06-22. Review status: criteria provided, single submitter. Criteria: Ambry Variant Classification Scheme 2023. Collection method: clinical testing. Allele origin: germline.
Comment: The p.Y406C variant (also known as c.1217A>G), located in coding exon 10 of the SOS2 gene, results from an A to G substitution at nucleotide position 1217. The tyrosine at codon 406 is replaced by cysteine, an amino acid with highly dissimilar properties. This amino acid position is conserved. In addition, this alteration is predicted to be deleterious by in silico analysis. Based on the available evidence, the clinical significance of this variant remains unclear.